The following is an entry in ClinVar:

ClinVar aggregate classification (germline): Uncertain significance (1 of 4 stars; one submission).

Allele frequency attached by ClinVar (database versions not stated): gnomAD exomes below 0.00001.
gnomAD v4.1: 1 of 1,601,480 alleles (0.000062%); highest among the groups gnomAD compares: Non-Finnish European, 0.000085%; no homozygotes.

Submission:

GeneDx
Classification: Uncertain significance. Last evaluated: 2019-07-03. Review status: criteria provided, single submitter. Criteria: GeneDx Variant Classification Process June 2021. Collection method: clinical testing. Allele origin: germline. Affected: yes.
Comment: Not observed in large population cohorts (Lek et al., 2016); In silico analysis, which includes protein predictors and evolutionary conservation, supports that this variant does not alter protein structure/function; Has not been previously published as pathogenic or benign to our knowledge

NM_001145809.2(MYH14):c.2560G>A (p.Ala854Thr)

Gene: MYH14 (myosin heavy chain 14; plus strand). Cytogenetic location: 19q13.33.
Variant type: single nucleotide variant.
Coding change: c.2560G>A on transcript NM_001145809.2 (MANE Select); coding-DNA position 2560, G replaced by A.
Protein change: p.Ala854Thr; replaces alanine 854 with threonine.
Molecular consequence: missense variant.
Genome position (GRCh38, 1-based): chr19:50,261,610, G>A. VCF-style: chr19-50261610-G-A. GRCh37 (hg19) VCF-style: chr19-50764867-G-A.
Other names: c.2461G>A, p.Ala821Thr (NM_001077186.2); c.2437G>A, p.Ala813Thr (NM_024729.4); short protein forms A813T, A821T, A854T.
Identifiers: ClinVar variation 1306499 (VCV001306499.2), dbSNP rs959759669, ClinGen allele CA309555974.